The following is an entry in ClinVar:

ClinVar aggregate classification (germline): Likely benign. Review status: criteria provided, multiple submitters, no conflicts (2 of 4 stars). 2 submissions from 2 submitters: Likely benign (2). Last evaluated 2024-05-14.

Conditions:
Malignant hyperthermia, susceptibility to, 1 (MHS1). Also called: Anesthesia related hyperthermia; Malignant hyperpyrexia; Fulminating hyperpyrexia; Pharmacogenic myopathy; RYR1-Related Malignant Hyperthermia Susceptibility; Malignant hyperthermia suceptibility 1. Identifiers: Orphanet 423, MedGen C2930980, MONDO:0007783, OMIM 145600.
RYR1-related disorder. Also called: RYR1-related condition; RYR1-related disorders. Identifiers: MedGen CN239331.

Allele frequency attached by ClinVar (database versions not stated): TOPMed below 0.00001; ExAC 0.00001; ESP Exome Variant Server 0.00008.

Submissions (2):

All of Us Research Program, National Institutes of Health
Classification: Likely benign for Malignant hyperthermia, susceptibility to, 1. Last evaluated: 2024-05-14. Review status: criteria provided, single submitter. Criteria: ACMG Guidelines, 2015. Collection method: clinical testing. Allele origin: germline. Inheritance: Autosomal dominant inheritance. Observed: 1 variant allele, 1 heterozygote.
Comment: This study involves interpretation of variants in research participants for the purpose of population health screening. Participant phenotype was not available at the time of variant classification. Additional details can be found in publication PMID: 35346344, PMCID: PMC8962531

Labcorp Genetics (formerly Invitae), Labcorp
Classification: Likely benign for RYR1-related disorder. Last evaluated: 2023-04-17. Review status: criteria provided, single submitter. Criteria: Invitae Variant Classification Sherloc (09022015). Collection method: clinical testing. Allele origin: germline.

NM_000540.3(RYR1):c.5238C>T (p.Leu1746=)

Gene: RYR1 (ryanodine receptor 1; plus strand). Cytogenetic location: 19q13.2.
Variant type: single nucleotide variant.
Coding change: c.5238C>T on transcript NM_000540.3 (MANE Select); coding-DNA position 5238, C replaced by T.
Protein change: p.Leu1746=; no amino-acid change (leucine 1746 retained).
Molecular consequence: synonymous variant.
Genome position (GRCh38, 1-based): chr19:38,485,893, C>T. VCF-style: chr19-38485893-C-T. GRCh37 (hg19) VCF-style: chr19-38976533-C-T.
Other names: c.5238C>T, p.Leu1746= (NM_001042723.2).
Identifiers: ClinVar variation 2876555 (VCV002876555.4), dbSNP rs369177512, ClinGen allele CA066796.